The following is an entry in ClinVar:

ClinVar aggregate classification (germline): Conflicting classifications of pathogenicity. Review status: criteria provided, conflicting classifications (1 of 4 stars). 2 submissions from 2 submitters: Uncertain significance (1); Likely benign (1). Last evaluated 2025-10-29.

Allele frequency attached by ClinVar (database versions not stated): gnomAD exomes 0.00002 and 0.00008; TOPMed 0.00002; gnomAD 0.00003 and 0.00004; ExAC 0.00004.
gnomAD v4.1: 130 of 1,612,408 alleles (0.0081%); highest among the groups gnomAD compares: Non-Finnish European, 0.0099%; no homozygotes.

Submissions (2):

Labcorp Genetics (formerly Invitae), Labcorp
Classification: Uncertain significance. Last evaluated: 2025-10-29. Review status: criteria provided, single submitter. Criteria: Invitae Variant Classification Sherloc (09022015). Collection method: clinical testing. Allele origin: germline.
Comment: This sequence change replaces arginine, which is basic and polar, with glycine, which is neutral and non-polar, at codon 204 of the SEPT9 protein (p.Arg204Gly). This variant is present in population databases (rs767758713, gnomAD 0.004%). This variant has not been reported in the literature in individuals affected with SEPT9-related conditions. ClinVar contains an entry for this variant (Variation ID: 1682618). Invitae Evidence Modeling of protein sequence and biophysical properties (such as structural, functional, and spatial information, amino acid conservation, physicochemical variation, residue mobility, and thermodynamic stability) indicates that this missense variant is not expected to disrupt SEPT9 protein function with a negative predictive value of 80%. In summary, the available evidence is currently insufficient to determine the role of this variant in disease. Therefore, it has been classified as a Variant of Uncertain Significance.

Mayo Clinic Laboratories, Mayo Clinic
Classification: Likely benign. Last evaluated: 2024-12-31. Review status: criteria provided, single submitter. Criteria: ACMG Guidelines, 2015. Collection method: clinical testing. Allele origin: germline. Observed: 1 variant allele.
Comment: BS2, BP4_moderate

NM_001113491.2(SEPTIN9):c.664A>G (p.Arg222Gly)

Gene: SEPTIN9 (septin 9; plus strand). Cytogenetic location: 17q25.3.
Variant type: single nucleotide variant.
Coding change: c.664A>G on transcript NM_001113491.2 (MANE Select); coding-DNA position 664, A replaced by G.
Protein change: p.Arg222Gly; replaces arginine 222 with glycine.
Molecular consequence: missense variant.
Genome position (GRCh38, 1-based): chr17:77,402,646, A>G. VCF-style: chr17-77402646-A-G. GRCh37 (hg19) VCF-style: chr17-75398728-A-G.
Other names: p.Arg204Gly; c.172A>G, p.Arg58Gly (NM_001113492.2, NM_001113494.1); c.643A>G, p.Arg215Gly (NM_001113493.2); c.607A>G, p.Arg203Gly (NM_001293695.2); c.610A>G, p.Arg204Gly (NM_006640.5); c.610A>G (NM_006640.4); short protein forms R203G, R204G, R215G, R222G, R58G.
Identifiers: ClinVar variation 1682618 (VCV001682618.6), dbSNP rs767758713, ClinGen allele CA8793259.
Genomic context (GRCh38, chr17:77,402,646, plus strand): 5'-CCCAGCCCAGCCCAGACCTTGGAGAATTCAGAGCCTGCCCCTGTGTCTCAGCTGCAGAGC[A>G]GGCTGGAGCCCAAGCCCCAGCCCCCTGTGGCTGAGGCTACACCCCGGAGCCAGGAGGGTG-3'
Protein context (NP_001106963.1, residues 212-232): EPAPVSQLQS[Arg222Gly]LEPKPQPPVA